The following is an entry in ClinVar:

ClinVar aggregate classification (germline): Conflicting classifications of pathogenicity. Review status: criteria provided, conflicting classifications (1 of 4 stars). 3 submissions from 3 submitters: Uncertain significance (1); Likely benign (2). Last evaluated 2025-04-28.

Conditions:
Hereditary cancer-predisposing syndrome. Also called: Tumor predisposition; Neoplastic Syndromes, Hereditary; Hereditary neoplastic syndrome; Hereditary Cancer Syndrome. Identifiers: Orphanet 140162, MedGen C0027672, MeSH D009386, MONDO:0015356.

Submissions (3):

Women's Health and Genetics/Laboratory Corporation of America, LabCorp
Classification: Likely benign. Last evaluated: 2025-04-28. Review status: criteria provided, single submitter. Criteria: LabCorp Variant Classification Summary - May 2015. Collection method: clinical testing. Allele origin: germline.

Ambry Genetics
Classification: Uncertain significance for Hereditary cancer-predisposing syndrome. Last evaluated: 2023-11-20. Review status: criteria provided, single submitter. Criteria: Ambry Variant Classification Scheme 2023. Collection method: clinical testing. Allele origin: germline.
Comment: The c.3390-5T>C intronic variant results from a T to C substitution 5 nucleotides upstream from coding exon 22 in the RAD50 gene. This nucleotide position is well conserved in available vertebrate species. In silico splice site analysis predicts that this alteration may result in the creation or strengthening of a novel splice acceptor site. Since supporting evidence is limited at this time, the clinical significance of this alteration remains unclear.

Labcorp Genetics (formerly Invitae), Labcorp
Classification: Likely benign for Hereditary cancer-predisposing syndrome. Last evaluated: 2021-06-17. Review status: criteria provided, single submitter. Criteria: Invitae Variant Classification Sherloc (09022015). Collection method: clinical testing. Allele origin: germline.

NM_005732.4(RAD50):c.3390-5T>C

Genes: TH2-LCR (Th2 cytokine locus control region; plus strand), TH2LCRR (T helper type 2 locus control region associated RNA; minus strand), RAD50 (RAD50 double strand break repair protein; plus strand). Cytogenetic location: 5q31.1.
Variant type: single nucleotide variant.
Coding change: c.3390-5T>C on transcript NM_005732.4 (MANE Select); 5 bases into the intron before coding-DNA position 3390, T replaced by C.
Molecular consequence: intron variant.
Genome position (GRCh38, 1-based): chr5:132,637,110, T>C. VCF-style: chr5-132637110-T-C. GRCh37 (hg19) VCF-style: chr5-131972802-T-C.
Identifiers: ClinVar variation 633383 (VCV000633383.13), dbSNP rs1561658734, ClinGen allele CA913189746.